The following is an entry in ClinVar:

NM_001035.3(RYR2):c.8408G>A (p.Arg2803Gln)

Gene: RYR2 (ryanodine receptor 2; plus strand). Cytogenetic location: 1q43.
Variant type: single nucleotide variant.
Coding change: c.8408G>A on transcript NM_001035.3 (MANE Select); coding-DNA position 8408, G replaced by A.
Protein change: p.Arg2803Gln; replaces arginine 2803 with glutamine.
Molecular consequence: missense variant.
Genome position (GRCh38, 1-based): chr1:237,660,919, G>A. VCF-style: chr1-237660919-G-A. GRCh37 (hg19) VCF-style: chr1-237824219-G-A.
Other names: p.R2803Q:CGG>CAG; c.8408G>A, p.Arg2803Gln (LRG_402t1); short protein forms R2803Q.
Identifiers: ClinVar variation 201285 (VCV000201285.16), dbSNP rs780643623, ClinGen allele CA010985.

ClinVar aggregate classification (germline): Conflicting classifications of pathogenicity. Review status: criteria provided, conflicting classifications (1 of 4 stars). 5 submissions from 5 submitters: Uncertain significance (4); Likely benign (1). Last evaluated 2025-06-22.

Conditions:
Catecholaminergic polymorphic ventricular tachycardia (CVPT). Also called: Catecholamine-induced polymorphic ventricular tachycardia. Identifiers: Orphanet 3286, MedGen C5574922, MONDO:0017990.
Cardiomyopathy (CMYO). Also called: Cardiomyopathies. Identifiers: Orphanet 167848, MedGen C0878544, MONDO:0004994, HP:0001638. Inheritance: Various modes of inheritance.
Catecholaminergic polymorphic ventricular tachycardia 1. Also called: RYR2-Related Catecholaminergic Polymorphic Ventricular Tachycardia; VENTRICULAR TACHYCARDIA, CATECHOLAMINERGIC POLYMORPHIC, 1, WITH OR WITHOUT ATRIAL DYSFUNCTION AND/OR DILATED CARDIOMYOPATHY; VENTRICULAR TACHYCARDIA, STRESS-INDUCED POLYMORPHIC 1. Identifiers: Orphanet 3286, MedGen C1631597, MONDO:0011484, OMIM 604772.

Allele frequency attached by ClinVar (database versions not stated): TOPMed 0.00001; gnomAD exomes 0.00002; ExAC 0.00005.
gnomAD v4.1: 28 of 1,465,738 alleles (0.0019%); highest among the groups gnomAD compares: South Asian, 0.0093%; no homozygotes.

Submissions (5):

Labcorp Genetics (formerly Invitae), Labcorp
Classification: Likely benign for Catecholaminergic polymorphic ventricular tachycardia 1. Last evaluated: 2025-06-22. Review status: criteria provided, single submitter. Criteria: Invitae Variant Classification Sherloc (09022015). Collection method: clinical testing. Allele origin: germline.

Color Diagnostics, LLC DBA Color Health
Classification: Uncertain significance for Cardiomyopathy. Last evaluated: 2024-12-16. Review status: criteria provided, single submitter. Criteria: ACMG Guidelines, 2015. Collection method: clinical testing. Allele origin: germline.
Comment: This missense variant replaces arginine with glutamine at codon 2803 of the RYR2 protein. Computational prediction suggests that this variant may not impact protein structure and function. To our knowledge, functional studies have not been reported for this variant. This variant has not been reported in individuals affected with RYR2-related disorders in the literature. This variant has been identified in 2/128032 chromosomes in the general population by the Genome Aggregation Database (gnomAD). The available evidence is insufficient to determine the role of this variant in disease conclusively. Therefore, this variant is classified as a Variant of Uncertain Significance.

All of Us Research Program, National Institutes of Health
Classification: Uncertain significance for Catecholaminergic polymorphic ventricular tachycardia. Last evaluated: 2024-02-05. Review status: criteria provided, single submitter. Criteria: ACMG Guidelines, 2015. Collection method: clinical testing. Allele origin: germline. Inheritance: Autosomal dominant inheritance. Observed: 4 variant alleles, 4 heterozygotes.
Comment: This missense variant replaces arginine with glutamine at codon 2803 of the RYR2 protein. Computational prediction suggests that this variant may not impact protein structure and function (internally defined REVEL score threshold <= 0.5, PMID: 27666373). To our knowledge, functional studies have not been reported for this variant. This variant has not been reported in individuals affected with cardiovascular disorders in the literature. This variant has been identified in 2/128032 chromosomes in the general population by the Genome Aggregation Database (gnomAD). The available evidence is insufficient to determine the role of this variant in disease conclusively. Therefore, this variant is classified as a Variant of Uncertain Significance.

This study involves interpretation of variants in research participants for the purpose of population health screening. Participant phenotype was not available at the time of variant classification. Additional details can be found in publication PMID: 35346344, PMCID: PMC8962531

CHEO Genetics Diagnostic Laboratory, Children's Hospital of Eastern Ontario
Classification: Uncertain significance for Cardiomyopathy. Last evaluated: 2017-12-07. Review status: criteria provided, single submitter. Criteria: ACMG Guidelines, 2015. Collection method: clinical testing. Allele origin: germline.

GeneDx
Classification: Uncertain significance. Last evaluated: 2017-08-21. Review status: criteria provided, single submitter. Criteria: GeneDx Variant Classification (06012015). Collection method: clinical testing. Allele origin: germline. Affected: yes.
Comment: The R2803Q variant is not observed at a significant frequency in large population cohorts (Lek et al., 2016; 1000 Genomes Consortium et al., 2015; Exome Variant Server). The R2803Q variant is a semi-conservative amino acid substitution, which may impact secondary protein structure as these residues differ in some properties. This substitution occurs at a position that is conserved in mammals. However, the R2803Q variant is not located in one of the three hot-spot regions of the RYR2 gene, where the majority of pathogenic missense variants occur (Medeiros-Domingo et al., 2009). Lastly, in silico analysis is inconsistent in its predictions as to whether or not the variant is damaging to the protein structure/function.